The following is an entry in ClinVar:

ClinVar aggregate classification (germline): Uncertain significance. Review status: criteria provided, multiple submitters, no conflicts (2 of 4 stars). 3 submissions from 3 submitters: Uncertain significance (3). Last evaluated 2025-11-10.

Conditions:
Cardiovascular phenotype. Identifiers: MedGen CN230736.
Hypertrophic cardiomyopathy 14. Identifiers: MedGen C2750467, MONDO:0013197, OMIM 613251.
Dilated cardiomyopathy 1EE (CMD1EE). Identifiers: Orphanet 154, MedGen C2750466, MONDO:0013198, OMIM 613252.
Sick sinus syndrome 3, susceptibility to (SSS3). Identifiers: Orphanet 166282, MedGen C3279791, MONDO:0013568, OMIM 614090.
Hypertrophic cardiomyopathy 1 (CMH1). Also called: MYH7-Related Familial Hypertrophic Cardiomyopathy; Familial hypertrophic cardiomyopathy 1. Identifiers: MedGen C3495498, MONDO:0008647, OMIM 192600.
Atrial septal defect 3 (ASD3). Identifiers: Orphanet 1478, MedGen C3279790, MONDO:0013567, OMIM 614089.

Allele frequency attached by ClinVar (database versions not stated): gnomAD exomes 0.00001 and below 0.00001; TOPMed 0.00003; ExAC 0.00001; gnomAD 0.00001.

Submissions (3):

Ambry Genetics
Classification: Uncertain significance for Cardiovascular phenotype. Last evaluated: 2025-11-10. Review status: criteria provided, single submitter. Criteria: Ambry Variant Classification Scheme 2023. Collection method: clinical testing. Allele origin: germline.
Comment: The p.M1766T variant (also known as c.5297T>C), located in coding exon 34 of the MYH6 gene, results from a T to C substitution at nucleotide position 5297. The methionine at codon 1766 is replaced by threonine, an amino acid with similar properties. This amino acid position is highly conserved in available vertebrate species. In addition, this alteration is predicted to be deleterious by in silico analysis. Since supporting evidence is limited at this time, the clinical significance of this alteration remains unclear.

Labcorp Genetics (formerly Invitae), Labcorp
Classification: Uncertain significance for Hypertrophic cardiomyopathy 14. Last evaluated: 2023-09-21. Review status: criteria provided, single submitter. Criteria: Invitae Variant Classification Sherloc (09022015). Collection method: clinical testing. Allele origin: germline.
Comment: In summary, the available evidence is currently insufficient to determine the role of this variant in disease. Therefore, it has been classified as a Variant of Uncertain Significance. Advanced modeling of protein sequence and biophysical properties (such as structural, functional, and spatial information, amino acid conservation, physicochemical variation, residue mobility, and thermodynamic stability) performed at Invitae indicates that this missense variant is not expected to disrupt MYH6 protein function. ClinVar contains an entry for this variant (Variation ID: 520372). This variant has not been reported in the literature in individuals affected with MYH6-related conditions. This variant is present in population databases (rs760667847, gnomAD 0.007%). This sequence change replaces methionine, which is neutral and non-polar, with threonine, which is neutral and polar, at codon 1766 of the MYH6 protein (p.Met1766Thr).

Fulgent Genetics
Classification: Uncertain significance for Hypertrophic cardiomyopathy 1; Hypertrophic cardiomyopathy 14; Dilated cardiomyopathy 1EE; Atrial septal defect 3; Sick sinus syndrome 3, susceptibility to. Last evaluated: 2021-11-01. Review status: criteria provided, single submitter. Criteria: ACMG Guidelines, 2015. Collection method: clinical testing. Allele origin: unknown.

NM_002471.4(MYH6):c.5297T>C (p.Met1766Thr)

Gene: MYH6 (myosin heavy chain 6; minus strand). Cytogenetic location: 14q11.2.
Variant type: single nucleotide variant.
Coding change: c.5297T>C on transcript NM_002471.4 (MANE Select); coding-DNA position 5297, T replaced by C.
Protein change: p.Met1766Thr; replaces methionine 1766 with threonine.
Molecular consequence: missense variant.
Genome position (GRCh38, 1-based): chr14:23,384,710, A>G on the plus strand (T>C on the coding strand, the complement: MYH6 is on the minus strand). VCF-style: chr14-23384710-A-G. GRCh37 (hg19) VCF-style: chr14-23853919-A-G.
Other names: short protein forms M1766T.
Identifiers: ClinVar variation 520372 (VCV000520372.11), dbSNP rs760667847, ClinGen allele CA7114461.